The following is an entry in ClinVar:

ClinVar aggregate classification (germline): Conflicting classifications of pathogenicity. Review status: criteria provided, conflicting classifications (1 of 4 stars). 3 submissions from 3 submitters: Uncertain significance (1); Likely benign (1). 1 of the submissions does not count toward it. Last evaluated 2026-01-14.

Conditions:
3M syndrome 1. Also called: 3-M Syndrome, CUL7-Related. Identifiers: Orphanet 2616, MedGen C2678312, MONDO:0010117, OMIM 273750.
CUL7-related disorder. Also called: CUL7-related condition.

Allele frequency attached by ClinVar (database versions not stated): gnomAD 0.00002; gnomAD exomes 0.00002; TOPMed 0.00002; ExAC 0.00003.

Submissions (3):

Labcorp Genetics (formerly Invitae), Labcorp
Classification: Likely benign. Last evaluated: 2026-01-14. Review status: criteria provided, single submitter. Criteria: Invitae Variant Classification Sherloc (09022015). Collection method: clinical testing. Allele origin: germline.

Illumina Laboratory Services, Illumina
Classification: Uncertain significance for 3M syndrome 1. Last evaluated: 2018-01-13. Review status: criteria provided, single submitter. Criteria: ICSL Variant Classification Criteria 13 December 2019. Collection method: clinical testing. Allele origin: germline.

PreventionGenetics, part of Exact Sciences
Classification: Likely benign for CUL7-related condition. Last evaluated: 2019-05-23. Review status: no assertion criteria provided. Collection method: clinical testing. Allele origin: germline. Not counted in ClinVar's aggregate classification.
Comment: This variant is classified as likely benign based on ACMG/AMP sequence variant interpretation guidelines (Richards et al. 2015 PMID: 25741868, with internal and published modifications).

NM_014780.5(CUL7):c.4059C>T (p.Ser1353=)

Gene: CUL7 (cullin 7; minus strand). Cytogenetic location: 6p21.1.
Variant type: single nucleotide variant.
Coding change: c.4059C>T on transcript NM_014780.5 (MANE Select); coding-DNA position 4059, C replaced by T.
Protein change: p.Ser1353=; no amino-acid change (serine 1353 retained).
Molecular consequence: synonymous variant.
Genome position (GRCh38, 1-based): chr6:43,040,391, G>A on the plus strand (C>T on the coding strand, the complement: CUL7 is on the minus strand). VCF-style: chr6-43040391-G-A. GRCh37 (hg19) VCF-style: chr6-43008129-G-A.
Other names: c.4155C>T, p.Ser1385= (NM_001168370.2, NM_001374872.1); c.4059C>T, p.Ser1353= (NM_001374873.1); c.4056C>T, p.Ser1352= (NM_001374874.1).
Identifiers: ClinVar variation 908445 (VCV000908445.7), dbSNP rs748157885, ClinGen allele CA3813306.